The following is an entry in ClinVar:

ClinVar aggregate classification (germline): Uncertain significance (1 of 4 stars; one submission).

Conditions:
Inborn genetic diseases. Identifiers: MedGen C0950123, MeSH D030342.

Submission:

Ambry Genetics
Classification: Uncertain significance for Inborn genetic diseases. Last evaluated: 2021-09-17. Review status: criteria provided, single submitter. Criteria: Ambry Variant Classification Scheme 2023. Collection method: clinical testing. Allele origin: germline.
Comment: The p.L861S variant (also known as c.2582T>C), located in coding exon 20 of the BUB1B gene, results from a T to C substitution at nucleotide position 2582. The leucine at codon 861 is replaced by serine, an amino acid with dissimilar properties. This amino acid position is conserved. In addition, this alteration is predicted to be deleterious by in silico analysis. Since supporting evidence is limited at this time, the clinical significance of this alteration remains unclear.

NM_001211.6(BUB1B):c.2582T>C (p.Leu861Ser)

Gene: BUB1B (BUB1 mitotic checkpoint serine/threonine kinase B; plus strand). Cytogenetic location: 15q15.1.
Variant type: single nucleotide variant.
Coding change: c.2582T>C on transcript NM_001211.6 (MANE Select); coding-DNA position 2582, T replaced by C.
Protein change: p.Leu861Ser; replaces leucine 861 with serine.
Molecular consequence: missense variant.
Genome position (GRCh38, 1-based): chr15:40,213,378, T>C. VCF-style: chr15-40213378-T-C. GRCh37 (hg19) VCF-style: chr15-40505579-T-C.
Other names: short protein forms L861S.
Identifiers: ClinVar variation 1793397 (VCV001793397.2), dbSNP rs1566828619, ClinGen allele CA391686136.